The following is an entry in ClinVar:

NM_001127898.4(CLCN5):c.1243C>T (p.Arg415Trp)

Gene: CLCN5 (Cl-/H+ antiporter 5; plus strand). Cytogenetic location: Xp11.23.
Variant type: single nucleotide variant.
Coding change: c.1243C>T on transcript NM_001127898.4 (MANE Select); coding-DNA position 1243, C replaced by T.
Protein change: p.Arg415Trp; replaces arginine 415 with tryptophan.
Molecular consequence: missense variant.
Genome position (GRCh38, 1-based): chrX:50,086,556, C>T. VCF-style: chrX-50086556-C-T. GRCh37 (hg19) VCF-style: chrX-49851213-C-T.
Other names: c.1033C>T, p.Arg345Trp (NM_000084.5); c.1243C>T, p.Arg415Trp (NM_001127899.4); c.1093C>T, p.Arg365Trp (NM_001282163.2); short protein forms R415W, R345W, R365W.
Identifiers: ClinVar variation 368479 (VCV000368479.10), dbSNP rs782817681, ClinGen allele CA10413851.

ClinVar aggregate classification (germline): Conflicting classifications of pathogenicity. Review status: criteria provided, conflicting classifications (1 of 4 stars). 3 submissions from 3 submitters: Uncertain significance (2); Benign (1). Last evaluated 2026-01-06.

Conditions:
Dent disease type 1 (DENT1). Also called: NEPHROLITHIASIS 2; NEPHROLITHIASIS, HYPERCALCIURIC, X-LINKED. Identifiers: Orphanet 1652, Orphanet 93622, MedGen C1848336, MONDO:0010225, OMIM 300009.

Allele frequency attached by ClinVar (database versions not stated): gnomAD exomes 0.00001 and 0.00002; TOPMed 0.00001; ExAC 0.00003; gnomAD 0.00005.

Submissions (3):

Labcorp Genetics (formerly Invitae), Labcorp
Classification: Uncertain significance. Last evaluated: 2026-01-06. Review status: criteria provided, single submitter. Criteria: Invitae Variant Classification Sherloc (09022015). Collection method: clinical testing. Allele origin: germline.
Comment: This sequence change replaces arginine, which is basic and polar, with tryptophan, which is neutral and slightly polar, at codon 345 of the CLCN5 protein (p.Arg345Trp). This variant is present in population databases (rs782817681, gnomAD 0.006%). This missense change has been observed in individual(s) with Dent disease (PMID: 27117801). ClinVar contains an entry for this variant (Variation ID: 368479). Invitae Evidence Modeling of protein sequence and biophysical properties (such as structural, functional, and spatial information, amino acid conservation, physicochemical variation, residue mobility, and thermodynamic stability) has been performed for this missense variant. However, the output from this modeling did not meet the statistical confidence thresholds required to predict the impact of this variant on CLCN5 protein function. Experimental studies have shown that this missense change affects CLCN5 function (PMID: 27117801, 31852738). In summary, the available evidence is currently insufficient to determine the role of this variant in disease. Therefore, it has been classified as a Variant of Uncertain Significance.

Blueprint Genetics
Classification: Uncertain significance. Last evaluated: 2024-07-18. Review status: criteria provided, single submitter. Criteria: ACMG Guidelines, 2015. Collection method: clinical testing. Allele origin: germline.

Illumina Laboratory Services, Illumina
Classification: Benign for Dent disease type 1. Last evaluated: 2018-01-12. Review status: criteria provided, single submitter. Criteria: ICSL Variant Classification Criteria 13 December 2019. Collection method: clinical testing. Allele origin: germline.
Comment: This variant was observed in the ICSL laboratory as part of a predisposition screen in an ostensibly healthy population. It had not been previously curated by ICSL or reported in the Human Gene Mutation Database (HGMD: prior to June 1st, 2018), and was therefore a candidate for classification through an automated scoring system. Utilizing variant allele frequency, disease prevalence and penetrance estimates, and inheritance mode, an automated score was calculated to assess if this variant is too frequent to cause the disease. Based on the score and internal cut-off values, a variant classified as benign is not then subjected to further curation. The score for this variant resulted in a classification of benign for this disease.

Literature cited by the submitters: PubMed 27117801 (cited by Labcorp Genetics (formerly Invitae), Labcorp); PubMed 31852738 (cited by Labcorp Genetics (formerly Invitae), Labcorp).